The following is an entry in ClinVar:

ClinVar aggregate classification (germline): Likely pathogenic. Review status: criteria provided, multiple submitters, no conflicts (2 of 4 stars). 2 submissions from 2 submitters: Likely pathogenic (2). Last evaluated 2022-08-12.

Conditions:
SCAPER-related disorder. Also called: SCAPER-related condition.
Intellectual developmental disorder and retinitis pigmentosa; IDDRP. Also called: INTELLECTUAL DEVELOPMENTAL DISORDER AND RETINITIS PIGMENTOSA. Identifiers: MedGen C4748658, MONDO:0032594, OMIM 618195.

Allele frequency attached by ClinVar (database versions not stated): TOPMed below 0.00001; ExAC 0.00002; gnomAD 0.00002; gnomAD exomes 0.00002.
gnomAD v4.1: 33 of 1,613,718 alleles (0.002%); highest among the groups gnomAD compares: Non-Finnish European, 0.0025%; no homozygotes.

Submissions (2):

Blueprint Genetics
Classification: Likely pathogenic for SCAPER-related disorders. Last evaluated: 2022-08-12. Review status: criteria provided, single submitter. Criteria: ACMG Guidelines, 2015. Collection method: clinical testing. Allele origin: germline. Affected: yes. Observed: 2 variant alleles.

Dasa
Classification: Likely pathogenic for Intellectual developmental disorder and retinitis pigmentosa; IDDRP. Last evaluated: 2022-01-05. Review status: criteria provided, single submitter. Criteria: ACMG Guidelines, 2015. Collection method: clinical testing. Allele origin: germline. Affected: yes. Observed: 1 variant allele.
Comment: The variant creates a premature translational stop signal c.334C>T;p.(Arg112*) in SCAPER gene. It is expected to result in an absent or disrupted protein product - PVS1.This variant is not present in population databases (rs757834403, gnomAD; ABraOM no frequency) - PM2_supporting. In summary, the currently available evidence indicates that the variant is likely pathogenic.

NM_020843.4(SCAPER):c.334C>T (p.Arg112Ter)

Gene: SCAPER (S-phase cyclin A associated protein in the ER; minus strand). Cytogenetic location: 15q24.3.
Variant type: single nucleotide variant.
Coding change: c.334C>T on transcript NM_020843.4 (MANE Select); coding-DNA position 334, C replaced by T.
Protein change: p.Arg112Ter; replaces arginine 112 with a stop codon.
Molecular consequence: nonsense. On other transcripts: 5 prime UTR variant (4), non-coding transcript variant (1).
Genome position (GRCh38, 1-based): chr15:76,841,793, G>A on the plus strand (C>T on the coding strand, the complement: SCAPER is on the minus strand). VCF-style: chr15-76841793-G-A. GRCh37 (hg19) VCF-style: chr15-77134134-G-A.
Other names: c.-564C>T (NM_001145923.2); c.334C>T, p.Arg112Ter (NM_001353009.2); c.-69C>T (NM_001353010.2, NM_001353011.2, NM_001353012.2); short protein forms R112*.
Identifiers: ClinVar variation 1334384 (VCV001334384.4), dbSNP rs757834403, ClinGen allele CA7675239.